The following is an entry in ClinVar:

NM_005228.5(EGFR):c.1787C>A (p.Pro596Gln)

Gene: EGFR (epidermal growth factor receptor; plus strand). Cytogenetic location: 7p11.2.
Variant type: single nucleotide variant.
Coding change: c.1787C>A on transcript NM_005228.5 (MANE Select); coding-DNA position 1787, C replaced by A.
Protein change: p.Pro596Gln; replaces proline 596 with glutamine.
Molecular consequence: missense variant.
Genome position (GRCh38, 1-based): chr7:55,165,344, C>A. VCF-style: chr7-55165344-C-A. GRCh37 (hg19) VCF-style: chr7-55233037-C-A.
Other names: c.1652C>A, p.Pro551Gln (NM_001346897.2, NM_001346899.2); c.1787C>A, p.Pro596Gln (NM_001346898.2, NM_201282.2, NM_201284.2); c.1628C>A, p.Pro543Gln (NM_001346900.2); c.986C>A, p.Pro329Gln (NM_001346941.2); short protein forms P329Q, P596Q, P543Q, P551Q.
Identifiers: ClinVar variation 3843804 (VCV003843804.1).

ClinVar aggregate classification (germline): Uncertain significance (1 of 4 stars; one submission).

Conditions:
Hereditary cancer-predisposing syndrome. Also called: Hereditary neoplastic syndrome; Neoplastic Syndromes, Hereditary; Tumor predisposition; Hereditary Cancer Syndrome. Identifiers: Orphanet 140162, MedGen C0027672, MeSH D009386, MONDO:0015356.

Submission:

Ambry Genetics
Classification: Uncertain significance for Hereditary cancer-predisposing syndrome. Last evaluated: 2025-01-30. Review status: criteria provided, single submitter. Criteria: Ambry Variant Classification Scheme 2023. Collection method: clinical testing. Allele origin: germline.
Comment: The p.P596Q variant (also known as c.1787C>A), located in coding exon 15 of the EGFR gene, results from a C to A substitution at nucleotide position 1787. The proline at codon 596 is replaced by glutamine, an amino acid with similar properties. This amino acid position is highly conserved in available vertebrate species. In addition, the in silico prediction for this alteration is inconclusive. Based on the available evidence, the clinical significance of this variant remains unclear.